The following is an entry in ClinVar:

NM_001127221.2(CACNA1A):c.5561G>A (p.Ser1854Asn)

Gene: CACNA1A (calcium voltage-gated channel subunit alpha1 A; minus strand). Cytogenetic location: 19p13.13.
Variant type: single nucleotide variant.
Coding change: c.5561G>A on transcript NM_001127221.2 (MANE Plus Clinical); coding-DNA position 5561, G replaced by A.
Protein change: p.Ser1854Asn; replaces serine 1854 with asparagine.
Molecular consequence: missense variant. On other transcripts: intron variant (4).
Genome position (GRCh38, 1-based): chr19:13,228,766, C>T on the plus strand (G>A on the coding strand, the complement: CACNA1A is on the minus strand). VCF-style: chr19-13228766-C-T. GRCh37 (hg19) VCF-style: chr19-13339580-C-T.
Other names: c.5529-1239G>A (NM_001127222.2); c.5538-1239G>A (NM_001174080.2); c.5547-1239G>A (NM_000068.4, NM_023035.3); short protein forms S1854N.
Identifiers: ClinVar variation 3754149 (VCV003754149.1).

ClinVar aggregate classification (germline): Uncertain significance (1 of 4 stars; one submission).

Conditions:
Episodic ataxia type 2 (EA2). Also called: ATAXIA, EPISODIC, WITH NYSTAGMUS; ATAXIA, FAMILIAL PAROXYSMAL; ACETAZOLAMIDE-RESPONSIVE HEREDITARY PAROXYSMAL CEREBELLAR ATAXIA; CEREBELLAR ATAXIA, PAROXYSMAL, ACETAZOLAMIDE-RESPONSIVE; CEREBELLOPATHY, HEREDITARY PAROXYSMAL; EPISODIC ATAXIA, NYSTAGMUS-ASSOCIATED. Identifiers: Orphanet 97, MedGen C1720416, MONDO:0007163, OMIM 108500.
Developmental and epileptic encephalopathy, 42 (DEE42A). Also called: Epileptic encephalopathy, early infantile, 42; DEVELOPMENTAL AND EPILEPTIC ENCEPHALOPATHY 42A; EPILEPTIC ENCEPHALOPATHY, EARLY INFANTILE, 42A. Identifiers: MedGen C4310716, MONDO:0014917, OMIM 617106.

Submission:

Labcorp Genetics (formerly Invitae), Labcorp
Classification: Uncertain significance for Developmental and epileptic encephalopathy, 42; Episodic ataxia type 2. Last evaluated: 2024-12-12. Review status: criteria provided, single submitter. Criteria: Invitae Variant Classification Sherloc (09022015). Collection method: clinical testing. Allele origin: germline.
Comment: This sequence change replaces serine, which is neutral and polar, with asparagine, which is neutral and polar, at codon 1854 of the CACNA1A protein (p.Ser1854Asn). This variant is not present in population databases (gnomAD no frequency). This variant has not been reported in the literature in individuals affected with CACNA1A-related conditions. Invitae Evidence Modeling of protein sequence and biophysical properties (such as structural, functional, and spatial information, amino acid conservation, physicochemical variation, residue mobility, and thermodynamic stability) indicates that this missense variant is not expected to disrupt CACNA1A protein function with a negative predictive value of 95%. In summary, the available evidence is currently insufficient to determine the role of this variant in disease. Therefore, it has been classified as a Variant of Uncertain Significance.